The following is an entry in ClinVar:

ClinVar aggregate classification (germline): Pathogenic. Review status: criteria provided, single submitter (1 of 4 stars). 2 submissions from 2 submitters: Pathogenic (1). 1 of the submissions does not count toward it. Last evaluated 2019-05-29.

Conditions:
Hyper-IgE recurrent infection syndrome 3, autosomal recessive. Also called: HYPER-IgE SYNDROME 3, AUTOSOMAL RECESSIVE, WITH RECURRENT INFECTIONS; Autosomal recessive hyper-IgE syndrome due to ZNF341 deficiency. Identifiers: Orphanet 641368, MedGen C4748969, MONDO:0032654, OMIM 618282.

Submissions (2):

SIB Swiss Institute of Bioinformatics
Classification: Pathogenic for Hyper-IgE recurrent infection syndrome 3, autosomal recessive. Last evaluated: 2019-05-29. Review status: criteria provided, single submitter. Criteria: ACMG Guidelines, 2015. Collection method: curation. Allele origin: unknown.
Comment: This variant is interpreted as a Pathogenic for Hyper-IgE recurrent infection syndrome 3, autosomal recessive. The following ACMG Tag(s) were applied: PM2; PS3-moderate; PVS1.

OMIM
Classification: Pathogenic for HYPER-IgE SYNDROME 3, AUTOSOMAL RECESSIVE, WITH RECURRENT INFECTIONS. Last evaluated: 2023-10-05. Review status: no assertion criteria provided. Collection method: literature only. Allele origin: germline. Not counted in ClinVar's aggregate classification.

Literature cited by the submitters: PubMed 29907691 (cited by SIB Swiss Institute of Bioinformatics and OMIM).

NM_001282933.2(ZNF341):c.583C>T (p.Gln195Ter)

Gene: ZNF341 (zinc finger protein 341; plus strand). Cytogenetic location: 20q11.22.
Variant type: single nucleotide variant.
Coding change: c.583C>T on transcript NM_001282933.2 (MANE Select); coding-DNA position 583, C replaced by T.
Protein change: p.Gln195Ter; replaces glutamine 195 with a stop codon.
Molecular consequence: nonsense. On other transcripts: non-coding transcript variant (1).
Genome position (GRCh38, 1-based): chr20:33,753,265, C>T. VCF-style: chr20-33753265-C-T. GRCh37 (hg19) VCF-style: chr20-32341071-C-T.
Other names: c.313C>T, p.Gln105Ter (NM_001282935.2); c.583C>T, p.Gln195Ter (NM_032819.5); short protein forms Q195*, Q105*.
Identifiers: ClinVar variation 599414 (VCV000599414.3), dbSNP rs1568940507, ClinGen allele CA408649717.